The following is an entry in ClinVar:

ClinVar aggregate classification (germline): Pathogenic/Likely pathogenic. Review status: criteria provided, multiple submitters, no conflicts (2 of 4 stars). 2 submissions from 2 submitters: Pathogenic (1); Likely pathogenic (1). Last evaluated 2022-02-10.

Conditions:
Aminoglycoside-induced deafness. Also called: DEAFNESS, STREPTOMYCIN-INDUCED; MT-RNR1-Related Hearing Loss and Deafness; STREPTOMYCIN OTOTOXICITY. Identifiers: Orphanet 168609, MedGen C1838854, MONDO:0010799, OMIM 580000.

Submissions (2):

Baylor Genetics
Classification: Likely pathogenic for Aminoglycoside-induced deafness. Last evaluated: 2022-02-10. Review status: criteria provided, single submitter. Criteria: ACMG Guidelines, 2015. Collection method: clinical testing. Allele origin: unknown.

Labcorp Genetics (formerly Invitae), Labcorp
Classification: Pathogenic. Last evaluated: 2021-06-05. Review status: criteria provided, single submitter. Criteria: Invitae Variant Classification Sherloc (09022015). Collection method: clinical testing. Allele origin: germline.
Comment: This variant is not present in population databases (ExAC no frequency). For these reasons, this variant has been classified as Pathogenic. This variant has not been reported in the literature in individuals with TRMU-related conditions. This sequence change creates a premature translational stop signal (p.Arg154Thrfs*19) in the TRMU gene. It is expected to result in an absent or disrupted protein product. Loss-of-function variants in TRMU are known to be pathogenic (PMID: 19732863, 23625533).

Literature cited by the submitters: PubMed 19732863 (cited by Labcorp Genetics (formerly Invitae), Labcorp); PubMed 23625533 (cited by Labcorp Genetics (formerly Invitae), Labcorp).

NM_018006.5(TRMU):c.428_459dup (p.Arg154fs)

Gene: TRMU (tRNA mitochondrial 2-thiouridylase; plus strand). Cytogenetic location: 22q13.31.
Variant type: Duplication.
Coding change: c.428_459dup on transcript NM_018006.5 (MANE Select); coding-DNA positions 428 to 459, 32 bases duplicated.
Protein change: p.Arg154fs; shifts the reading frame from arginine 154.
Molecular consequence: frameshift variant. On other transcripts: nonsense (2), inframe insertion (2), non-coding transcript variant (2).
Genome position (GRCh38, 1-based): chr22:46,346,494-46,346,525, 32 bases duplicated. GRCh37 (hg19): chr22:46,742,391-46,742,422.
Other names: c.86_117dup, p.Arg40fs (NM_001282782.2); c.67_98dup, p.Ile33_Gly34insArgTer (NM_001282783.2, NM_001282784.2); c.428_459dup, p.Arg154fs (NM_001282785.2); short protein forms R154fs, R40fs.
Identifiers: ClinVar variation 1395278 (VCV001395278.7), dbSNP rs2147054656, ClinGen allele CA2573158385.
Genomic context (GRCh38, chr22:46,346,493, plus strand): 5'-ATTGCCACAGGTCACTATGCAAGAACTTCCCTGGAAGATGAAGAAGTCTTTGAGCAGAAG[C>CACGTTAAGAAGCCCGAAGGGCTTTTCAGAAAT]ACGTTAAGAAGCCCGAAGGGCTTTTCAGAAATCGGTTTGAAGTTAGAAATGGTAAGTTCA-3'